The following is an entry in ClinVar:

NM_002291.3(LAMB1):c.4427A>C (p.Lys1476Thr)

Gene: LAMB1 (laminin subunit beta 1; minus strand). Cytogenetic location: 7q31.1.
Variant type: single nucleotide variant.
Coding change: c.4427A>C on transcript NM_002291.3 (MANE Select); coding-DNA position 4427, A replaced by C.
Protein change: p.Lys1476Thr; replaces lysine 1476 with threonine.
Molecular consequence: missense variant.
Genome position (GRCh38, 1-based): chr7:107,931,466, T>G on the plus strand (A>C on the coding strand, the complement: LAMB1 is on the minus strand). VCF-style: chr7-107931466-T-G. GRCh37 (hg19) VCF-style: chr7-107571911-T-G.
Other names: c.4427A>C (NM_002291.2); short protein forms K1476T.
Identifiers: ClinVar variation 1951591 (VCV001951591.6), dbSNP rs139220200, ClinGen allele CA164268604.
Genomic context (GRCh38, chr7:107,931,466, plus strand): 5'-CTCTTGTCCATTTTTTCTTTGGTAGCATTTGTCTTCAACAGAATGTCTTCAGCACTTTGT[T>G]TTGCCTCATCTGCCCTCAGTTTTGCTTCAGAGACCTAAATATGAAGAATAAATTACCCAG-3'
Protein context (NP_002282.2, residues 1466-1486): SEAKLRADEA[Lys1476Thr]QSAEDILLKT

ClinVar aggregate classification (germline): Uncertain significance. Review status: criteria provided, multiple submitters, no conflicts (2 of 4 stars). 2 submissions from 2 submitters: Uncertain significance (2). Last evaluated 2026-04-14.

Conditions:
Inborn genetic diseases. Identifiers: MedGen C0950123, MeSH D030342.

Allele frequency attached by ClinVar (database versions not stated): gnomAD exomes 0.00005; ESP Exome Variant Server 0.00008; TOPMed below 0.00001; gnomAD 0.00001.

Submissions (2):

Ambry Genetics
Classification: Uncertain significance for Inborn genetic diseases. Last evaluated: 2026-04-14. Review status: criteria provided, single submitter. Criteria: Ambry Variant Classification Scheme 2023. Collection method: clinical testing. Allele origin: germline.
Comment: The c.4427A>C (p.K1476T) alteration is located in exon 29 (coding exon 28) of the LAMB1 gene. This alteration results from a A to C substitution at nucleotide position 4427, causing the lysine (K) at amino acid position 1476 to be replaced by a threonine (T). Based on data from gnomAD, the C allele has an overall frequency of 0.001% (3/251120) total alleles studied. The highest observed frequency was 0.003% (1/30568) of South Asian alleles. Based on insufficient or conflicting evidence, the clinical significance of this alteration remains unclear.

Labcorp Genetics (formerly Invitae), Labcorp
Classification: Uncertain significance. Last evaluated: 2023-10-03. Review status: criteria provided, single submitter. Criteria: Invitae Variant Classification Sherloc (09022015). Collection method: clinical testing. Allele origin: germline.
Comment: This sequence change replaces lysine, which is basic and polar, with threonine, which is neutral and polar, at codon 1476 of the LAMB1 protein (p.Lys1476Thr). This variant is present in population databases (rs139220200, gnomAD 0.003%). This variant has not been reported in the literature in individuals affected with LAMB1-related conditions. ClinVar contains an entry for this variant (Variation ID: 1951591). An algorithm developed to predict the effect of missense changes on protein structure and function (PolyPhen-2) suggests that this variant is likely to be disruptive. In summary, the available evidence is currently insufficient to determine the role of this variant in disease. Therefore, it has been classified as a Variant of Uncertain Significance.